The following is an entry in ClinVar:

NM_000293.3(PHKB):c.980A>C (p.Lys327Thr)

Gene: PHKB (phosphorylase kinase regulatory subunit beta; plus strand). Cytogenetic location: 16q12.1.
Variant type: single nucleotide variant.
Coding change: c.980A>C on transcript NM_000293.3 (MANE Select); coding-DNA position 980, A replaced by C.
Protein change: p.Lys327Thr; replaces lysine 327 with threonine.
Molecular consequence: missense variant.
Genome position (GRCh38, 1-based): chr16:47,589,014, A>C. VCF-style: chr16-47589014-A-C. GRCh37 (hg19) VCF-style: chr16-47622925-A-C.
Other names: c.959A>C, p.Lys320Thr (NM_001031835.3); c.980A>C, p.Lys327Thr (NM_001363837.1); short protein forms K320T, K327T.
Identifiers: ClinVar variation 4714970 (VCV004714970.1).

ClinVar aggregate classification (germline): Uncertain significance (1 of 4 stars; one submission).

Conditions:
Glycogen storage disease IXb (GSD9B). Also called: PHOSPHORYLASE KINASE DEFICIENCY OF LIVER AND MUSCLE, AUTOSOMAL RECESSIVE; GLYCOGENOSIS OF LIVER AND MUSCLE, AUTOSOMAL RECESSIVE; GSD IXb. Identifiers: Orphanet 79240, MedGen C0543514, MONDO:0009868, OMIM 261750.

Submission:

Labcorp Genetics (formerly Invitae), Labcorp
Classification: Uncertain significance for Glycogen storage disease IXb. Last evaluated: 2025-03-12. Review status: criteria provided, single submitter. Criteria: Invitae Variant Classification Sherloc (09022015). Collection method: clinical testing. Allele origin: germline.
Comment: This sequence change replaces lysine, which is basic and polar, with threonine, which is neutral and polar, at codon 327 of the PHKB protein (p.Lys327Thr). This variant is not present in population databases (gnomAD no frequency). This variant has not been reported in the literature in individuals affected with PHKB-related conditions. An algorithm developed to predict the effect of missense changes on protein structure and function (PolyPhen-2) suggests that this variant is likely to be disruptive. In summary, the available evidence is currently insufficient to determine the role of this variant in disease. Therefore, it has been classified as a Variant of Uncertain Significance.